The following is an entry in ClinVar:

NM_024876.4(COQ8B):c.1210-10G>A

Gene: COQ8B (coenzyme Q8B; minus strand). Cytogenetic location: 19q13.2.
Variant type: single nucleotide variant.
Coding change: c.1210-10G>A on transcript NM_024876.4 (MANE Select); 10 bases into the intron before coding-DNA position 1210, G replaced by A.
Molecular consequence: intron variant.
Genome position (GRCh38, 1-based): chr19:40,693,047, C>T on the plus strand (G>A on the coding strand, the complement: COQ8B is on the minus strand). VCF-style: chr19-40693047-C-T. GRCh37 (hg19) VCF-style: chr19-41198952-C-T.
Other names: p.?; c.1087-10G>A (NM_001142555.3).
Identifiers: ClinVar variation 385863 (VCV000385863.12), dbSNP rs77801349, ClinGen allele CA9450091.

ClinVar aggregate classification (germline): Benign/Likely benign. Review status: criteria provided, multiple submitters, no conflicts (2 of 4 stars). 4 submissions from 4 submitters: Benign (3); Likely benign (1). Last evaluated 2026-01-27.

Conditions:
Nephrotic syndrome, type 9 (NPHS9). Identifiers: Orphanet 656, MedGen C3809965, MONDO:0014257, OMIM 615573.

Allele frequency attached by ClinVar (database versions not stated): 1000 Genomes Project 0.00998; 1000 Genomes Project 30x 0.00999; TOPMed 0.01059; ESP Exome Variant Server 0.01161.
gnomAD v4.1: 3,816 of 1,612,808 alleles (0.24%); highest among the groups gnomAD compares: African/African-American, 3.2%; 47 homozygotes.

Submissions (4):

Labcorp Genetics (formerly Invitae), Labcorp
Classification: Benign. Last evaluated: 2026-01-27. Review status: criteria provided, single submitter. Criteria: Invitae Variant Classification Sherloc (09022015). Collection method: clinical testing. Allele origin: germline.

Fulgent Genetics
Classification: Likely benign for Nephrotic syndrome, type 9. Last evaluated: 2021-10-08. Review status: criteria provided, single submitter. Criteria: ACMG Guidelines, 2015. Collection method: clinical testing. Allele origin: unknown.

Mayo Clinic Laboratories, Mayo Clinic
Classification: Benign. Last evaluated: 2020-11-16. Review status: criteria provided, single submitter. Criteria: ACMG Guidelines, 2015. Collection method: clinical testing. Allele origin: germline. Observed: 7 variant alleles.

GeneDx
Classification: Benign. Last evaluated: 2016-08-08. Review status: criteria provided, single submitter. Criteria: GeneDx Variant Classification (06012015). Collection method: clinical testing. Allele origin: germline. Affected: yes.
Comment: This variant is considered likely benign or benign based on one or more of the following criteria: it is a conservative change, it occurs at a poorly conserved position in the protein, it is predicted to be benign by multiple in silico algorithms, and/or has population frequency not consistent with disease.